The following is an entry in ClinVar:

ClinVar aggregate classification (germline): Uncertain significance. Review status: criteria provided, multiple submitters, no conflicts (2 of 4 stars). 2 submissions from 2 submitters: Uncertain significance (2). Last evaluated 2026-01-20.

gnomAD v4.1: 5 of 1,590,296 alleles (0.00031%); highest among the groups gnomAD compares: Middle Eastern, 0.017%; no homozygotes.

Submissions (2):

Labcorp Genetics (formerly Invitae), Labcorp
Classification: Uncertain significance. Last evaluated: 2026-01-20. Review status: criteria provided, single submitter. Criteria: Invitae Variant Classification Sherloc (09022015). Collection method: clinical testing. Allele origin: germline.
Comment: This sequence change replaces arginine, which is basic and polar, with glutamine, which is neutral and polar, at codon 857 of the FBN3 protein (p.Arg857Gln). This variant is not present in population databases (gnomAD no frequency). This variant has not been reported in the literature in individuals affected with FBN3-related conditions. ClinVar contains an entry for this variant (Variation ID: 3277987). Invitae Evidence Modeling of protein sequence and biophysical properties (such as structural, functional, and spatial information, amino acid conservation, physicochemical variation, residue mobility, and thermodynamic stability) indicates that this missense variant is not expected to disrupt FBN3 protein function with a negative predictive value of 80%. In summary, the available evidence is currently insufficient to determine the role of this variant in disease. Therefore, it has been classified as a Variant of Uncertain Significance.

Ambry Genetics
Classification: Uncertain significance. Last evaluated: 2024-03-20. Review status: criteria provided, single submitter. Criteria: Ambry Variant Classification Scheme 2023. Collection method: clinical testing. Allele origin: germline.

NM_032447.5(FBN3):c.2570G>A (p.Arg857Gln)

Gene: FBN3 (fibrillin 3; minus strand). Cytogenetic location: 19p13.2.
Variant type: single nucleotide variant.
Coding change: c.2570G>A on transcript NM_032447.5 (MANE Select); coding-DNA position 2570, G replaced by A.
Protein change: p.Arg857Gln; replaces arginine 857 with glutamine.
Molecular consequence: missense variant.
Genome position (GRCh38, 1-based): chr19:8,126,332, C>T on the plus strand (G>A on the coding strand, the complement: FBN3 is on the minus strand). VCF-style: chr19-8126332-C-T. GRCh37 (hg19) VCF-style: chr19-8191216-C-T.
Other names: c.2570G>A, p.Arg857Gln (NM_001321431.2); short protein forms R857Q.
Identifiers: ClinVar variation 3277987 (VCV003277987.2).